The following is an entry in ClinVar:

ClinVar aggregate classification (germline): Pathogenic (1 of 4 stars; one submission).

Conditions:
MPI-congenital disorder of glycosylation. Also called: MANNOSEPHOSPHATE ISOMERASE DEFICIENCY; CDG Ib; MPI-CDG; MPI DEFICIENCY; PROTEIN-LOSING ENTEROPATHY-HEPATIC FIBROSIS SYNDROME; CONGENITAL DISORDER OF GLYCOSYLATION, TYPE Ib. Identifiers: Orphanet 79319, MedGen C1865145, MONDO:0011257, OMIM 602579.

Allele frequency attached by ClinVar (database versions not stated): gnomAD exomes below 0.00001; TOPMed 0.00001; gnomAD 0.00002; ESP Exome Variant Server 0.00008.

Submission:

Labcorp Genetics (formerly Invitae), Labcorp
Classification: Pathogenic for MPI-congenital disorder of glycosylation. Last evaluated: 2023-11-29. Review status: criteria provided, single submitter. Criteria: Invitae Variant Classification Sherloc (09022015). Collection method: clinical testing. Allele origin: germline.
Comment: This sequence change creates a premature translational stop signal (p.Asp88Glufs*71) in the MPI gene. It is expected to result in an absent or disrupted protein product. Loss-of-function variants in MPI are known to be pathogenic (PMID: 19862844). This variant is not present in population databases (gnomAD no frequency). This variant has not been reported in the literature in individuals affected with MPI-related conditions. ClinVar contains an entry for this variant (Variation ID: 1457290). For these reasons, this variant has been classified as Pathogenic.

Literature cited by the submitters: PubMed 19862844.

NM_002435.3(MPI):c.264del (p.Asp88fs)

Gene: MPI (mannose phosphate isomerase; plus strand). Cytogenetic location: 15q24.1.
Variant type: Deletion.
Coding change: c.264del on transcript NM_002435.3 (MANE Select); coding-DNA position 264, one base deleted (C; older notation c.264delC).
Protein change: p.Asp88fs; shifts the reading frame from aspartic acid 88.
Molecular consequence: frameshift variant.
Genome position (GRCh38, 1-based): chr15:74,891,498, C deleted. VCF-style (leftmost placement, unchanged base first): chr15-74891497-AC-A. GRCh37 (hg19) VCF-style: chr15-75183838-AC-A.
Other names: c.264del, p.Asp88fs (NM_001289155.2, NM_001289157.2); c.114del, p.Asp38fs (NM_001289156.2); c.204del, p.Asp68fs (NM_001330372.2); short protein forms D38fs, D68fs, D88fs.
Identifiers: ClinVar variation 1457290 (VCV001457290.6), dbSNP rs868127074, ClinGen allele CA272822405.